The following is an entry in ClinVar:

NM_006790.3(MYOT):c.686G>A (p.Ser229Asn)

Genes: MYOT (myotilin; plus strand), PKD2L2-DT (PKD2L2 divergent transcript; minus strand). Cytogenetic location: 5q31.2.
Variant type: single nucleotide variant.
Coding change: c.686G>A on transcript NM_006790.3 (MANE Select); coding-DNA position 686, G replaced by A.
Protein change: p.Ser229Asn; replaces serine 229 with asparagine.
Molecular consequence: missense variant.
Genome position (GRCh38, 1-based): chr5:137,881,975, G>A. VCF-style: chr5-137881975-G-A. GRCh37 (hg19) VCF-style: chr5-137217664-G-A.
Other names: c.134G>A, p.Ser45Asn (NM_001135940.2); c.341G>A, p.Ser114Asn (NM_001300911.2); short protein forms S45N, S114N, S229N.
Identifiers: ClinVar variation 839777 (VCV000839777.15), dbSNP rs193920888, ClinGen allele CA128104555.

ClinVar aggregate classification (germline): Conflicting classifications of pathogenicity. Review status: criteria provided, conflicting classifications (1 of 4 stars). 5 submissions from 5 submitters: Uncertain significance (4); Likely benign (1). Last evaluated 2024-12-02.

Conditions:
Inborn genetic diseases. Identifiers: MedGen C0950123, MeSH D030342.
Myofibrillar myopathy 3 (MFM3). Also called: Muscular dystrophy, proximal, type 1A; Autosomal dominant spheroid body myopathy. Identifiers: Orphanet 266, Orphanet 268129, MedGen C3714934, MONDO:0012215, OMIM 609200.

Allele frequency attached by ClinVar (database versions not stated): gnomAD exomes 0.00001 and 0.00004; TOPMed 0.00002.

Submissions (5):

Women's Health and Genetics/Laboratory Corporation of America, LabCorp
Classification: Uncertain significance. Last evaluated: 2024-12-02. Review status: criteria provided, single submitter. Criteria: LabCorp Variant Classification Summary - May 2015. Collection method: clinical testing. Allele origin: germline.
Comment: Variant summary: MYOT c.686G>A (p.Ser229Asn) results in a conservative amino acid change in the encoded protein sequence. Four of five in-silico tools predict a benign effect of the variant on protein function. Consensus agreement among computation tools predict no significant impact on normal splicing. However, these predictions have yet to be confirmed by functional studies. The variant allele was found at a frequency of 8e-06 in 251464 control chromosomes. The available data on variant occurrences in the general population are insufficient to allow any conclusion about variant significance. To our knowledge, no occurrence of c.686G>A in individuals affected with Myofibrillar myopathy 3 and no experimental evidence demonstrating its impact on protein function have been reported. ClinVar contains an entry for this variant (Variation ID: 839777). Based on the evidence outlined above, the variant was classified as uncertain significance.

Ambry Genetics
Classification: Uncertain significance for Inborn genetic diseases. Last evaluated: 2024-11-09. Review status: criteria provided, single submitter. Criteria: Ambry Variant Classification Scheme 2023. Collection method: clinical testing. Allele origin: germline.

Labcorp Genetics (formerly Invitae), Labcorp
Classification: Uncertain significance for Myofibrillar myopathy 3. Last evaluated: 2023-10-04. Review status: criteria provided, single submitter. Criteria: Invitae Variant Classification Sherloc (09022015). Collection method: clinical testing. Allele origin: germline.
Comment: This sequence change replaces serine, which is neutral and polar, with asparagine, which is neutral and polar, at codon 229 of the MYOT protein (p.Ser229Asn). This variant is present in population databases (rs193920888, gnomAD 0.002%). This variant has not been reported in the literature in individuals affected with MYOT-related conditions. ClinVar contains an entry for this variant (Variation ID: 839777). An algorithm developed to predict the effect of missense changes on protein structure and function (PolyPhen-2) suggests that this variant is likely to be disruptive. Algorithms developed to predict the effect of sequence changes on RNA splicing suggest that this variant may create or strengthen a splice site. In summary, the available evidence is currently insufficient to determine the role of this variant in disease. Therefore, it has been classified as a Variant of Uncertain Significance.

Blueprint Genetics
Classification: Likely benign. Last evaluated: 2022-07-20. Review status: criteria provided, single submitter. Criteria: ACMG Guidelines, 2015. Collection method: clinical testing. Allele origin: germline.

Revvity Omics, Revvity
Classification: Uncertain significance for Myofibrillar myopathy 3. Last evaluated: 2019-08-12. Review status: criteria provided, single submitter. Criteria: ACMG Guidelines, 2015. Collection method: clinical testing. Allele origin: germline.